The following is an entry in ClinVar:

NM_018192.4(P3H2):c.2035-3C>G

Gene: P3H2 (prolyl 3-hydroxylase 2; minus strand). Cytogenetic location: 3q28.
Variant type: single nucleotide variant.
Coding change: c.2035-3C>G on transcript NM_018192.4 (MANE Select); 3 bases into the intron before coding-DNA position 2035, C replaced by G.
Molecular consequence: intron variant.
Genome position (GRCh38, 1-based): chr3:189,958,007, G>C on the plus strand (C>G on the coding strand, the complement: P3H2 is on the minus strand). VCF-style: chr3-189958007-G-C. GRCh37 (hg19) VCF-style: chr3-189675796-G-C.
Other names: c.1492-3C>G (NM_001134418.2).
Identifiers: ClinVar variation 1371159 (VCV001371159.6), dbSNP rs2108899349, ClinGen allele CA2573136820.

ClinVar aggregate classification (germline): Uncertain significance (1 of 4 stars; one submission).

Submission:

Labcorp Genetics (formerly Invitae), Labcorp
Classification: Uncertain significance. Last evaluated: 2022-09-07. Review status: criteria provided, single submitter. Criteria: Invitae Variant Classification Sherloc (09022015). Collection method: clinical testing. Allele origin: germline.
Comment: Variants that disrupt the consensus splice site are a relatively common cause of aberrant splicing (PMID: 17576681, 9536098). Algorithms developed to predict the effect of sequence changes on RNA splicing suggest that this variant may disrupt the consensus splice site. In summary, the available evidence is currently insufficient to determine the role of this variant in disease. Therefore, it has been classified as a Variant of Uncertain Significance. ClinVar contains an entry for this variant (Variation ID: 1371159). This sequence change falls in intron 14 of the P3H2 gene. It does not directly change the encoded amino acid sequence of the P3H2 protein. It affects a nucleotide within the consensus splice site. This variant is not present in population databases (gnomAD no frequency). This variant has not been reported in the literature in individuals affected with P3H2-related conditions.

Literature cited by the submitters: PubMed 17576681; PubMed 9536098.